The following is an entry in ClinVar:

ClinVar aggregate classification (germline): Uncertain significance (1 of 4 stars; one submission).

gnomAD v4.1: 1 of 1,614,178 alleles (0.000062%); highest among the groups gnomAD compares: South Asian, 0.0011%; no homozygotes.

Submission:

Dasa
Classification: Uncertain significance. Last evaluated: 2025-08-06. Review status: criteria provided, single submitter. Criteria: DASA Assertion Criteria. Collection method: clinical testing. Allele origin: germline.
Comment: NM_001282531.3(ADNP):c.2825C>G (p.Thr942Ser) is a missense variant that results in the substitution of threonine with serine. This variant is rare in population databases. Computational prediction algorithms are consistent with a benign effect. The currently available literature and clinical evidence are not sufficient to establish a definitive association between this variant and the reported condition. Therefore, this variant is classified as a variant of uncertain significance.

NM_001282531.3(ADNP):c.2825C>G (p.Thr942Ser)

Gene: ADNP (activity dependent neuroprotector homeobox; minus strand). Cytogenetic location: 20q13.13.
Variant type: single nucleotide variant.
Coding change: c.2825C>G on transcript NM_001282531.3 (MANE Select); coding-DNA position 2825, C replaced by G.
Protein change: p.Thr942Ser; replaces threonine 942 with serine.
Molecular consequence: missense variant.
Genome position (GRCh38, 1-based): chr20:50,891,889, G>C on the plus strand (C>G on the coding strand, the complement: ADNP is on the minus strand). VCF-style: chr20-50891889-G-C. GRCh37 (hg19) VCF-style: chr20-49508426-G-C.
Other names: c.2825C>G, p.Thr942Ser (NM_001282532.2, NM_001347511.2, NM_015339.5 and 1 more transcripts); c.3041C>G, p.Thr1014Ser (NM_001439000.1); c.2141C>G, p.Thr714Ser (NM_001439001.1); short protein forms T1014S, T714S, T942S.
Identifiers: ClinVar variation 4883737 (VCV004883737.2).